The following is an entry in ClinVar:

NM_201596.3(CACNB2):c.985A>G (p.Lys329Glu)

Gene: CACNB2 (calcium voltage-gated channel auxiliary subunit beta 2; plus strand). Cytogenetic location: 10p12.31.
Variant type: single nucleotide variant.
Coding change: c.985A>G on transcript NM_201596.3 (MANE Select); coding-DNA position 985, A replaced by G.
Protein change: p.Lys329Glu; replaces lysine 329 with glutamic acid.
Molecular consequence: missense variant.
Genome position (GRCh38, 1-based): chr10:18,527,628, A>G. VCF-style: chr10-18527628-A-G. GRCh37 (hg19) VCF-style: chr10-18816557-A-G.
Other names: c.820A>G, p.Lys274Glu (NM_000724.4); c.787A>G, p.Lys263Glu (NM_001167945.2); c.706A>G, p.Lys236Glu (NM_001330060.2); c.727A>G, p.Lys243Glu (NM_001410882.1); c.841A>G, p.Lys281Glu (NM_201570.3); c.901A>G, p.Lys301Glu (NM_201571.4); c.829A>G, p.Lys277Glu (NM_201572.4); c.823A>G, p.Lys275Glu (NM_201590.3); and 2 more; short protein forms K263E, K275E, K329E, K243E, K281E, K236E, K274E, K277E.
Identifiers: ClinVar variation 4743857 (VCV004743857.1).
Genomic context (GRCh38, chr10:18,527,628, plus strand): 5'-GTGACTTTTTCCTCCAACAGGATATCCATCACAAGGGTCACCGCTGACATCTCGCTTGCC[A>G]AACGCTCGGTATTAAACAATCCCAGTAAGCACGCAATAATAGAAAGATCCAACACAAGGT-3'
Protein context (NP_963890.2, residues 319-339): TRVTADISLA[Lys329Glu]RSVLNNPSKH

ClinVar aggregate classification (germline): Uncertain significance (1 of 4 stars; one submission).

Conditions:
Brugada syndrome 4 (BRGDA4). Identifiers: Orphanet 130, MedGen C2678477, MONDO:0012743, OMIM 611876.

Submission:

Labcorp Genetics (formerly Invitae), Labcorp
Classification: Uncertain significance for Brugada syndrome 4. Last evaluated: 2025-08-09. Review status: criteria provided, single submitter. Criteria: Invitae Variant Classification Sherloc (09022015). Collection method: clinical testing. Allele origin: germline.
Comment: This sequence change replaces lysine, which is basic and polar, with glutamic acid, which is acidic and polar, at codon 275 of the CACNB2 protein (p.Lys275Glu). This variant is not present in population databases (gnomAD no frequency). This variant has not been reported in the literature in individuals affected with CACNB2-related conditions. Invitae Evidence Modeling of protein sequence and biophysical properties (such as structural, functional, and spatial information, amino acid conservation, physicochemical variation, residue mobility, and thermodynamic stability) indicates that this missense variant is expected to disrupt CACNB2 protein function with a positive predictive value of 80%. In summary, the available evidence is currently insufficient to determine the role of this variant in disease. Therefore, it has been classified as a Variant of Uncertain Significance.